The following is an entry in ClinVar:

ClinVar aggregate classification (germline): Uncertain significance. Review status: criteria provided, multiple submitters, no conflicts (2 of 4 stars). 2 submissions from 2 submitters: Uncertain significance (2). Last evaluated 2025-05-02.

Conditions:
Hereditary cancer-predisposing syndrome. Also called: Hereditary Cancer Syndrome; Hereditary neoplastic syndrome; Tumor predisposition; Neoplastic Syndromes, Hereditary. Identifiers: Orphanet 140162, MedGen C0027672, MeSH D009386, MONDO:0015356.
Rhabdoid tumor predisposition syndrome 2 (RTPS2). Identifiers: Orphanet 231108, Orphanet 69077, MedGen C2750074, MONDO:0013224, OMIM 613325.

Allele frequency attached by ClinVar (database versions not stated): gnomAD exomes below 0.00001.
gnomAD v4.1: 1 of 1,613,922 alleles (0.000062%); highest among the groups gnomAD compares: Non-Finnish European, 0.000085%; no homozygotes.

Submissions (2):

Ambry Genetics
Classification: Uncertain significance for Hereditary cancer-predisposing syndrome. Last evaluated: 2025-05-02. Review status: criteria provided, single submitter. Criteria: Ambry Variant Classification Scheme 2023. Collection method: clinical testing. Allele origin: germline.
Comment: The p.T432I variant (also known as c.1295C>T), located in coding exon 7 of the SMARCA4 gene, results from a C to T substitution at nucleotide position 1295. The threonine at codon 432 is replaced by isoleucine, an amino acid with similar properties. This amino acid position is highly conserved in available vertebrate species. In addition, the in silico prediction for this alteration is inconclusive. Missense and in-frame variants in SMARCA4 are known to cause neurodevelopmental disorders; however, such associations with rhabdoid tumor predisposition syndrome including small cell carcinoma of the ovary-hypercalcemic type (SCCOHT) are exceedingly rare (Kosho T et al. Am J Med Genet C Semin Med Genet. 2014 Sep;166C(3):262-75; Jelinic P et al. Nat Genet. 2014 May;46(5):424-6). Based on the supporting evidence, the association of this alteration with Coffin-Siris syndrome is unknown; however, the association of this alteration with rhabdoid tumor predisposition syndrome is unlikely.

Labcorp Genetics (formerly Invitae), Labcorp
Classification: Uncertain significance for Rhabdoid tumor predisposition syndrome 2. Last evaluated: 2021-11-19. Review status: criteria provided, single submitter. Criteria: Invitae Variant Classification Sherloc (09022015). Collection method: clinical testing. Allele origin: germline.
Comment: This sequence change replaces threonine, which is neutral and polar, with isoleucine, which is neutral and non-polar, at codon 432 of the SMARCA4 protein (p.Thr432Ile). This variant is not present in population databases (gnomAD no frequency). This variant has not been reported in the literature in individuals affected with SMARCA4-related conditions. ClinVar contains an entry for this variant (Variation ID: 841202). Algorithms developed to predict the effect of missense changes on protein structure and function are either unavailable or do not agree on the potential impact of this missense change (SIFT: "Deleterious"; PolyPhen-2: "Probably Damaging"; Align-GVGD: "Class C0"). In summary, the available evidence is currently insufficient to determine the role of this variant in disease. Therefore, it has been classified as a Variant of Uncertain Significance.

NM_003072.5(SMARCA4):c.1295C>T (p.Thr432Ile)

Gene: SMARCA4 (SWI/SNF related BAF chromatin remodeling complex subunit ATPase 4; plus strand). Cytogenetic location: 19p13.2.
Variant type: single nucleotide variant.
Coding change: c.1295C>T on transcript NM_003072.5 (MANE Select); coding-DNA position 1295, C replaced by T.
Protein change: p.Thr432Ile; replaces threonine 432 with isoleucine.
Molecular consequence: missense variant. On other transcripts: non-coding transcript variant (1).
Genome position (GRCh38, 1-based): chr19:10,991,199, C>T. VCF-style: chr19-10991199-C-T. GRCh37 (hg19) VCF-style: chr19-11101875-C-T.
Other names: c.1295C>T, p.Thr432Ile (NM_001128844.3, NM_001128845.2, NM_001128846.2 and 4 more transcripts); short protein forms T432I.
Identifiers: ClinVar variation 841202 (VCV000841202.11), dbSNP rs2086529449, ClinGen allele CA404060643.